The following is an entry in ClinVar:

ClinVar aggregate classification (germline): Uncertain significance (1 of 4 stars; one submission).

Conditions:
Cardiovascular phenotype. Identifiers: MedGen CN230736.

Submission:

Ambry Genetics
Classification: Uncertain significance for Cardiovascular phenotype. Last evaluated: 2025-10-01. Review status: criteria provided, single submitter. Criteria: Ambry Variant Classification Scheme 2023. Collection method: clinical testing. Allele origin: germline.
Comment: The p.I64L variant (also known as c.190A>T), located in coding exon 1 of the TECRL gene, results from an A to T substitution at nucleotide position 190. The isoleucine at codon 64 is replaced by leucine, an amino acid with highly similar properties. This amino acid position is conserved. In addition, this alteration is predicted to be tolerated by in silico analysis. Based on the available evidence, the clinical significance of this variant remains unclear.

NM_001010874.5(TECRL):c.190A>T (p.Ile64Leu)

Gene: TECRL (trans-2,3-enoyl-CoA reductase like; minus strand). Cytogenetic location: 4q13.1.
Variant type: single nucleotide variant.
Coding change: c.190A>T on transcript NM_001010874.5 (MANE Select); coding-DNA position 190, A replaced by T.
Protein change: p.Ile64Leu; replaces isoleucine 64 with leucine.
Molecular consequence: missense variant.
Genome position (GRCh38, 1-based): chr4:64,409,162, T>A on the plus strand (A>T on the coding strand, the complement: TECRL is on the minus strand). VCF-style: chr4-64409162-T-A. GRCh37 (hg19) VCF-style: chr4-65274880-T-A.
Other names: c.190A>T, p.Ile64Leu (NM_001363796.1); short protein forms I64L.
Identifiers: ClinVar variation 4615090 (VCV004615090.1).
Genomic context (GRCh38, chr4:64,409,162, plus strand): 5'-AAATAAATAAACTCACCTTATCCAGAATACATATCTGTTTCCTTGTTTGAGCATCAAATA[T>A]TTCAATCTCAAAGTGAGTCGTTTTTGAATGTTTGACTGCTGGAGTTGGTCTTAGAGGGCC-3'
Protein context (NP_001010874.2, residues 54-74): HSKTTHFEIE[Ile64Leu]FDAQTRKQIC